The following is an entry in ClinVar:

NM_017763.6(RNF43):c.1759C>G (p.Pro587Ala)

Gene: RNF43 (ring finger protein 43; minus strand). Cytogenetic location: 17q22.
Variant type: single nucleotide variant.
Coding change: c.1759C>G on transcript NM_017763.6 (MANE Select); coding-DNA position 1759, C replaced by G.
Protein change: p.Pro587Ala; replaces proline 587 with alanine.
Molecular consequence: missense variant.
Genome position (GRCh38, 1-based): chr17:58,358,017, G>C on the plus strand (C>G on the coding strand, the complement: RNF43 is on the minus strand). VCF-style: chr17-58358017-G-C. GRCh37 (hg19) VCF-style: chr17-56435378-G-C.
Other names: c.1759C>G, p.Pro587Ala (NM_001305544.3); c.1378C>G, p.Pro460Ala (NM_001305545.2); short protein forms P587A, P460A.
Identifiers: ClinVar variation 3946892 (VCV003946892.1).

ClinVar aggregate classification (germline): Uncertain significance (1 of 4 stars; one submission).

Submission:

Ambry Genetics
Classification: Uncertain significance. Last evaluated: 2025-05-16. Review status: criteria provided, single submitter. Criteria: Ambry Variant Classification Scheme 2023. Collection method: clinical testing. Allele origin: germline.
Comment: The p.P587A variant (also known as c.1759C>G), located in coding exon 8 of the RNF43 gene, results from a C to G substitution at nucleotide position 1759. The proline at codon 587 is replaced by alanine, an amino acid with highly similar properties. This amino acid position is conserved. In addition, this alteration is predicted to be tolerated by in silico analysis. Based on the available evidence, the clinical significance of this variant remains unclear.